The following is an entry in ClinVar:

NM_199242.3(UNC13D):c.2047G>A (p.Glu683Lys)

Gene: UNC13D (unc-13 homolog D; minus strand). Cytogenetic location: 17q25.1.
Variant type: single nucleotide variant.
Coding change: c.2047G>A on transcript NM_199242.3 (MANE Select); coding-DNA position 2047, G replaced by A.
Protein change: p.Glu683Lys; replaces glutamic acid 683 with lysine.
Molecular consequence: missense variant.
Genome position (GRCh38, 1-based): chr17:75,834,662, C>T on the plus strand (G>A on the coding strand, the complement: UNC13D is on the minus strand). VCF-style: chr17-75834662-C-T. GRCh37 (hg19) VCF-style: chr17-73830743-C-T.
Other names: short protein forms E683K.
Identifiers: ClinVar variation 1016972 (VCV001016972.7), dbSNP rs766154876, ClinGen allele CA294086456.
Genomic context (GRCh38, chr17:75,834,662, plus strand): 5'-CCAGCTCTGGCCTTACCATGTTGGCTGCCTGGCCTTGGTCCTTCTGGCCTGAAGAGAGCT[C>T]GCGGGCCCGGGCCTTTATAAGGCTGCAGTACACCAGGGCCAGGCGACAGGTGTCCTAGGG-3'
Protein context (NP_954712.1, residues 673-693): YCSLIKARAR[Glu683Lys]LSSGQKDQGQ

ClinVar aggregate classification (germline): Uncertain significance (1 of 4 stars; one submission).

Conditions:
Familial hemophagocytic lymphohistiocytosis 3 (FHL3). Also called: UNC13D-Related Familial Hemophagocytic Lymphohistiocytosis (UNC13D-fHLH). Identifiers: Orphanet 540, MedGen C1837174, MONDO:0012146, OMIM 608898.

Submission:

Labcorp Genetics (formerly Invitae), Labcorp
Classification: Uncertain significance for Familial hemophagocytic lymphohistiocytosis 3. Last evaluated: 2023-08-17. Review status: criteria provided, single submitter. Criteria: Invitae Variant Classification Sherloc (09022015). Collection method: clinical testing. Allele origin: germline.
Comment: In summary, the available evidence is currently insufficient to determine the role of this variant in disease. Therefore, it has been classified as a Variant of Uncertain Significance. Advanced modeling of protein sequence and biophysical properties (such as structural, functional, and spatial information, amino acid conservation, physicochemical variation, residue mobility, and thermodynamic stability) performed at Invitae indicates that this missense variant is not expected to disrupt UNC13D protein function. ClinVar contains an entry for this variant (Variation ID: 1016972). This variant has not been reported in the literature in individuals affected with UNC13D-related conditions. This variant is present in population databases (no rsID available, gnomAD no frequency). This sequence change replaces glutamic acid, which is acidic and polar, with lysine, which is basic and polar, at codon 683 of the UNC13D protein (p.Glu683Lys).